The following is an entry in ClinVar:

NM_002427.4(MMP13):c.1060T>C (p.Phe354Leu)

Gene: MMP13 (matrix metallopeptidase 13; minus strand). Cytogenetic location: 11q22.2.
Variant type: single nucleotide variant.
Coding change: c.1060T>C on transcript NM_002427.4 (MANE Select); coding-DNA position 1060, T replaced by C.
Protein change: p.Phe354Leu; replaces phenylalanine 354 with leucine.
Molecular consequence: missense variant.
Genome position (GRCh38, 1-based): chr11:102,948,042, A>G on the plus strand (T>C on the coding strand, the complement: MMP13 is on the minus strand). VCF-style: chr11-102948042-A-G. GRCh37 (hg19) VCF-style: chr11-102818771-A-G.
Other names: c.1060T>C (NM_002427.3); short protein forms F354L.
Identifiers: ClinVar variation 1403576 (VCV001403576.9), dbSNP rs370996115, ClinGen allele CA6251793.
Genomic context (GRCh38, chr11:102,948,042, plus strand): 5'-CCAGTTCAGATATTTTTTTGGGATAACCTTCCAGAATGTCATAACCATTAAGAGCCCAAA[A>G]TTTTCTACCTGGAATGAGTGAAATAACAGTTCTATTATCCAAGGGAATCTATTAGGACTT-3'
Protein context (NP_002418.1, residues 344-364): DLIFIFRGRK[Phe354Leu]WALNGYDILE

ClinVar aggregate classification (germline): Uncertain significance. Review status: criteria provided, multiple submitters, no conflicts (2 of 4 stars). 2 submissions from 2 submitters: Uncertain significance (2). Last evaluated 2025-10-15.

Allele frequency attached by ClinVar (database versions not stated): ExAC 0.00002; gnomAD exomes 0.00002 and 0.00005; TOPMed 0.00002; gnomAD 0.00004; ESP Exome Variant Server 0.00008.

Submissions (2):

Labcorp Genetics (formerly Invitae), Labcorp
Classification: Uncertain significance. Last evaluated: 2025-10-15. Review status: criteria provided, single submitter. Criteria: Invitae Variant Classification Sherloc (09022015). Collection method: clinical testing. Allele origin: germline.
Comment: This sequence change replaces phenylalanine, which is neutral and non-polar, with leucine, which is neutral and non-polar, at codon 354 of the MMP13 protein (p.Phe354Leu). This variant is present in population databases (rs370996115, gnomAD 0.02%). This variant has not been reported in the literature in individuals affected with MMP13-related conditions. ClinVar contains an entry for this variant (Variation ID: 1403576). Invitae Evidence Modeling of protein sequence and biophysical properties (such as structural, functional, and spatial information, amino acid conservation, physicochemical variation, residue mobility, and thermodynamic stability) indicates that this missense variant is not expected to disrupt MMP13 protein function with a negative predictive value of 80%. In summary, the available evidence is currently insufficient to determine the role of this variant in disease. Therefore, it has been classified as a Variant of Uncertain Significance.

Ambry Genetics
Classification: Uncertain significance. Last evaluated: 2025-08-08. Review status: criteria provided, single submitter. Criteria: Ambry Variant Classification Scheme 2023. Collection method: clinical testing. Allele origin: germline.